The following is an entry in ClinVar:

NM_001321759.2(CDIN1):c.285G>A (p.Ala95=)

Gene: CDIN1 (CDAN1 interacting nuclease 1; plus strand). Cytogenetic location: 15q14.
Variant type: single nucleotide variant.
Coding change: c.285G>A on transcript NM_001321759.2 (MANE Select); coding-DNA position 285, G replaced by A.
Protein change: p.Ala95=; no amino-acid change (alanine 95 retained).
Molecular consequence: synonymous variant. On other transcripts: 5 prime UTR variant (4).
Genome position (GRCh38, 1-based): chr15:36,657,844, G>A. VCF-style: chr15-36657844-G-A. GRCh37 (hg19) VCF-style: chr15-36950045-G-A.
Other names: c.285G>A (NM_001130010.2); c.285G>A, p.Ala95= (NM_001130010.3, NM_001290233.2, NM_001321760.2 and 1 more transcripts); c.-10G>A (NM_001290232.2, NM_001321756.2, NM_032499.6); c.-119G>A (NM_001321757.2); c.174G>A, p.Ala58= (NM_001321758.2).
Identifiers: ClinVar variation 4811940 (VCV004811940.2).
Genomic context (GRCh38, chr15:36,657,844, plus strand): 5'-CTGCTCGCACAACTTGATAGTTTTAATTTTCTACTTCTGTTTTATAAAGGTGGACTATGC[G>A]CCCTCATTAATGGCTCGGCTTATACTGGAGAGGTTTCTACAGGAACACGAGGAAACTCCA-3'
Protein context (NP_001308688.1, residues 85-105): LLDLANEVDY[Ala95=]PSLMARLILE

ClinVar aggregate classification (germline): Likely benign. Review status: criteria provided, multiple submitters, no conflicts (2 of 4 stars). 2 submissions from 2 submitters: Likely benign (2). Last evaluated 2026-06-25.

Conditions:
CDIN1-related disorder. Also called: CDIN1-related condition.

gnomAD v4.1: 15 of 1,611,296 alleles (0.00093%); highest among the groups gnomAD compares: East Asian, 0.0045%; no homozygotes.

Submissions (2):

PreventionGenetics, part of Exact Sciences
Classification: Likely benign for CDIN1-related condition. Last evaluated: 2026-06-25. Review status: criteria provided, single submitter. Criteria: ACMG Guidelines, 2015. Collection method: clinical testing. Allele origin: germline.
Comment: This variant is classified as likely benign based on ACMG/AMP sequence variant interpretation guidelines (Richards et al. 2015 PMID: 25741868, with internal and published modifications).

Labcorp Genetics (formerly Invitae), Labcorp
Classification: Likely benign. Last evaluated: 2025-12-14. Review status: criteria provided, single submitter. Criteria: Invitae Variant Classification Sherloc (09022015). Collection method: clinical testing. Allele origin: germline.